The following is an entry in ClinVar:

NM_001164277.2(SLC37A4):c.750_753del (p.Phe250fs)

Gene: SLC37A4 (solute carrier family 37 member 4; minus strand). Cytogenetic location: 11q23.3.
Variant type: Deletion.
Coding change: c.750_753del on transcript NM_001164277.2 (MANE Select); coding-DNA positions 750 to 753, 4 bases deleted (CCTT; older notation c.750_753delCCTT).
Protein change: p.Phe250fs; shifts the reading frame from phenylalanine 250.
Molecular consequence: frameshift variant.
Genome position (GRCh38, 1-based): chr11:119,026,968-119,026,971, AAGG deleted on the plus strand (CCTT on the coding strand, the reverse complement: SLC37A4 is on the minus strand); deleting any 4 consecutive bases within chr11:119,026,968-119,026,974 gives the same sequence; the c. name uses the placement nearest the transcript's 3' end. VCF-style (leftmost placement, unchanged base first): chr11-119026967-TAAGG-T. GRCh37 (hg19) VCF-style: chr11-118897677-TAAGG-T.
Other names: c.750_753del, p.Phe250fs (NM_001164278.2, NM_001164280.2, NM_001467.6); c.531_534del, p.Phe177fs (NM_001164279.2); short protein forms F177fs, F250fs.
Identifiers: ClinVar variation 5007796 (VCV005007796.2).
Genomic context (GRCh38, chr11:119,026,967, plus strand): 5'-TGCCCACCCTTGTCCCCATGCTCATCTTACCTACAAGGGCTGACTGTCCTTTCTCCTGGA[TAAGG>T]AAGAACTGGCCCCAGTCAGTACAGCAGGTCTTTACTCCAAACACCACAAGGTAACCAGTG-3'

ClinVar aggregate classification (germline): Likely pathogenic (1 of 4 stars; one submission).

Conditions:
Phosphate transport defect (GSD1C). Also called: GSD Ic; GLYCOGEN STORAGE DISEASE Ic. Identifiers: Orphanet 364, Orphanet 79259, MedGen C0342749, OMIM 232240.
Glucose-6-phosphate transport defect (GSD1B). Also called: Glycogen Storage Disease Type Ib; GSD Ib. Identifiers: Orphanet 364, Orphanet 79259, MedGen C0268146, MONDO:0009288, OMIM 232220.
Congenital disorder of glycosylation, type IIw. Identifiers: MedGen C5561986, MONDO:0030437, OMIM 619525.

Submission:

Juno Genomics, Hangzhou Juno Genomics, Inc
Classification: Likely pathogenic for Congenital disorder of glycosylation, type IIw; Glucose-6-phosphate transport defect; Phosphate transport defect. Review status: criteria provided, single submitter. Criteria: ACMG Guidelines, 2015. Collection method: clinical testing. Allele origin: germline.
Comment: Null variant in a gene where loss of function (LOF) is a known mechanism of disease.;Absent from controls (or at extremely low frequency if recessive) in Genome Aggregation Database.